The following is an entry in ClinVar:

NM_006005.3(WFS1):c.1023C>T (p.Phe341=)

Gene: WFS1 (wolframin ER transmembrane glycoprotein; plus strand). Cytogenetic location: 4p16.1.
Variant type: single nucleotide variant.
Coding change: c.1023C>T on transcript NM_006005.3 (MANE Select); coding-DNA position 1023, C replaced by T.
Protein change: p.Phe341=; no amino-acid change (phenylalanine 341 retained).
Molecular consequence: synonymous variant.
Genome position (GRCh38, 1-based): chr4:6,300,818, C>T. VCF-style: chr4-6300818-C-T. GRCh37 (hg19) VCF-style: chr4-6302545-C-T.
Other names: p.F341F:TTC>TTT; p.Phe341=; c.1023C>T, p.Phe341= (NM_001145853.1).
Identifiers: ClinVar variation 45428 (VCV000045428.30), dbSNP rs56072215, ClinGen allele CA282566.
Genomic context (GRCh38, chr4:6,300,818, plus strand): 5'-GCACCACATCAACGCGCTCATCTTCTTCTTCATCGTCAGCAACCTCACCATCGACTTCTT[C>T]GCCTTCTTCATCCCGCTGGTCATCTTCTACCTGTCCTTCATCTCCATGGTGATCTGCACC-3'
Protein context (NP_005996.2, residues 331-351): FIVSNLTIDF[Phe341=]AFFIPLVIFY

ClinVar aggregate classification (germline): Benign. Review status: criteria provided, multiple submitters, no conflicts (2 of 4 stars). 12 submissions from 11 submitters: Benign (12). Last evaluated 2026-02-03.

Conditions:
WFS1-Related Spectrum Disorders.
Wolfram syndrome 1 (WFS1). Identifiers: Orphanet 3463, MedGen C4551693, MONDO:0009101, OMIM 222300.
Autosomal dominant nonsyndromic hearing loss 6 (LFSNHL). Also called: DEAFNESS, AUTOSOMAL DOMINANT 6; DEAFNESS, AUTOSOMAL DOMINANT 14; DEAFNESS, AUTOSOMAL DOMINANT 38; Autosomal dominant nonsyndromic deafness 6. Identifiers: Orphanet 90635, MedGen C1833021, MONDO:0010963, OMIM 600965.

Allele frequency attached by ClinVar (database versions not stated): 1000 Genomes Project 0.02676; 1000 Genomes Project 30x 0.02842; gnomAD 0.04898 and 0.04932; TOPMed 0.05069; ESP Exome Variant Server 0.05298; gnomAD exomes 0.05418; ExAC 0.05470.
gnomAD v4.1: 110,332 of 1,613,996 alleles (6.8%); highest among the groups gnomAD compares: Middle Eastern, 12%; 4,378 homozygotes.

Submissions (12):

Labcorp Genetics (formerly Invitae), Labcorp
Classification: Benign. Last evaluated: 2026-02-03. Review status: criteria provided, single submitter. Criteria: Invitae Variant Classification Sherloc (09022015). Collection method: clinical testing. Allele origin: germline.

Blueprint Genetics
Classification: Benign. Last evaluated: 2024-11-26. Review status: criteria provided, single submitter. Criteria: ACMG Guidelines, 2015. Collection method: clinical testing. Allele origin: germline.

Mayo Clinic Laboratories, Mayo Clinic
Classification: Benign. Last evaluated: 2022-03-24. Review status: criteria provided, single submitter. Criteria: ACMG Guidelines, 2015. Collection method: clinical testing. Allele origin: germline. Observed: 89 variant alleles.

Illumina Laboratory Services, Illumina
Classification: Benign for Autosomal dominant nonsyndromic hearing loss 6. Last evaluated: 2018-01-12. Review status: criteria provided, single submitter. Criteria: ICSL Variant Classification Criteria 13 December 2019. Collection method: clinical testing. Allele origin: germline.
Comment: This variant was observed in the ICSL laboratory as part of a predisposition screen in an ostensibly healthy population. It had not been previously curated by ICSL or reported in the Human Gene Mutation Database (HGMD: prior to June 1st, 2018), and was therefore a candidate for classification through an automated scoring system. Utilizing variant allele frequency, disease prevalence and penetrance estimates, and inheritance mode, an automated score was calculated to assess if this variant is too frequent to cause the disease. Based on the score and internal cut-off values, a variant classified as benign is not then subjected to further curation. The score for this variant resulted in a classification of benign for this disease.

Illumina Laboratory Services, Illumina
Classification: Benign for WFS1-Related Spectrum Disorders. Last evaluated: 2018-01-12. Review status: criteria provided, single submitter. Criteria: ICSL Variant Classification Criteria 13 December 2019. Collection method: clinical testing. Allele origin: germline.
Comment: the same text as in the submission from Illumina Laboratory Services, Illumina above.

Eurofins Ntd Llc (ga)
Classification: Benign. Last evaluated: 2013-11-20. Review status: criteria provided, single submitter. Criteria: EGL Classification Definitions 2015. Collection method: clinical testing. Allele origin: germline. Observed: 6 variant alleles, 6 heterozygotes.

Genetic Services Laboratory, University of Chicago
Classification: Benign for AllHighlyPenetrant. Last evaluated: 2013-03-05. Review status: criteria provided, single submitter. Criteria: ACMG Guidelines, 2007. Collection method: clinical testing. Allele origin: germline. Inheritance: Autosomal recessive inheritance.

GeneDx
Classification: Benign. Last evaluated: 2012-05-22. Review status: criteria provided, single submitter. Criteria: GeneDx Variant Classification (06012015). Collection method: clinical testing. Allele origin: germline. Affected: yes.
Comment: This variant is considered likely benign or benign based on one or more of the following criteria: it is a conservative change, it occurs at a poorly conserved position in the protein, it is predicted to be benign by multiple in silico algorithms, and/or has population frequency not consistent with disease.

Laboratory for Molecular Medicine, Mass General Brigham Personalized Medicine
Classification: Benign. Last evaluated: 2012-05-07. Review status: criteria provided, single submitter. Criteria: LMM Criteria. Collection method: clinical testing. Allele origin: germline. Observed: 174 variant alleles.
Comment: "Phe341Phe in Exon 08 of WFS1: This variant is not expected to have clinical sig nificance because it does not alter an amino acid residue, is not located within the splice consensus sequence, and has been identified in 7.1% (496/7020) of Eu ropean American chromosomes from a broad population by the NHLBI Exome Sequencin g Project (dbSNP rs56072215)."

Breakthrough Genomics
Classification: Benign. Review status: criteria provided, single submitter. Criteria: ACMG Guidelines, 2015. Collection method: not provided. Allele origin: germline. Inheritance: Autosomal recessive inheritance. Affected: yes.

Clinical Genomics, Uppaluri K&H Personalized Medicine Clinic
Classification: Benign for Wolfram syndrome 1. Review status: criteria provided, single submitter. Criteria: K & H Uppaluri Personalized Medicine Clinic Variant Classification & Assertion Criteria_Updated V.1. Collection method: research. Allele origin: unknown. Inheritance: Autosomal recessive inheritance.
Comment: Mutations in WFS1 gene are associated with Wolfram's syndrome, an autosomal recessive condition, which cause diabetes mellitus, diabetes insipidus, deafness and optic atrophy. rs56072215 variant is also seen in patients with Diabetes Mellitus. However, the role of this particular variant is yet to be ascertained.

PreventionGenetics, part of Exact Sciences
Classification: Benign. Review status: criteria provided, single submitter. Criteria: ACMG Guidelines, 2015. Collection method: clinical testing. Allele origin: germline.

Literature cited by the submitters: PubMed 27617222 (cited by Clinical Genomics, Uppaluri K&H Personalized Medicine Clinic).